The following is an entry in ClinVar:

ClinVar aggregate classification (germline): Uncertain significance (1 of 4 stars; one submission).

Submission:

GeneDx
Classification: Uncertain significance. Last evaluated: 2023-02-16. Review status: criteria provided, single submitter. Criteria: GeneDx Variant Classification Process June 2021. Collection method: clinical testing. Allele origin: germline. Affected: yes.
Comment: Not observed at significant frequency in large population cohorts (gnomAD); In silico analysis supports that this missense variant has a deleterious effect on protein structure/function; Has not been previously published as pathogenic or benign to our knowledge

NM_012330.4(KAT6B):c.782C>G (p.Ala261Gly)

Gene: KAT6B (lysine acetyltransferase 6B; plus strand). Cytogenetic location: 10q22.2.
Variant type: single nucleotide variant.
Coding change: c.782C>G on transcript NM_012330.4 (MANE Select); coding-DNA position 782, C replaced by G.
Protein change: p.Ala261Gly; replaces alanine 261 with glycine.
Molecular consequence: missense variant. On other transcripts: intron variant (2).
Genome position (GRCh38, 1-based): chr10:74,969,711, C>G. VCF-style: chr10-74969711-C-G. GRCh37 (hg19) VCF-style: chr10-76729469-C-G.
Other names: c.782C>G, p.Ala261Gly (NM_001256468.2, NM_001256469.2, NM_001370132.1 and 10 more transcripts); c.193-9513C>G (NM_001370134.1); c.192+9633C>G (NM_001370135.1); short protein forms A261G.
Identifiers: ClinVar variation 2576868 (VCV002576868.1), dbSNP rs935089030, ClinGen allele CA377281725.